The following is an entry in ClinVar:

NM_000059.4(BRCA2):c.3802T>C (p.Ser1268Pro)

Gene: BRCA2 (BRCA2 DNA repair associated; plus strand). Cytogenetic location: 13q13.1.
Variant type: single nucleotide variant.
Coding change: c.3802T>C on transcript NM_000059.4 (MANE Select); coding-DNA position 3802, T replaced by C.
Protein change: p.Ser1268Pro; replaces serine 1268 with proline.
Molecular consequence: missense variant.
Genome position (GRCh38, 1-based): chr13:32,338,157, T>C. VCF-style: chr13-32338157-T-C. GRCh37 (hg19) VCF-style: chr13-32912294-T-C.
Other names: c.3802T>C, p.Ser1268Pro (NM_001406719.1, NM_001406720.1); short protein forms S1268P.
Identifiers: ClinVar variation 1735081 (VCV001735081.4), dbSNP rs751092504, ClinGen allele CA387778418.

ClinVar aggregate classification (germline): Conflicting classifications of pathogenicity. Review status: criteria provided, conflicting classifications (1 of 4 stars). 2 submissions from 2 submitters: Uncertain significance (1); Likely benign (1). Last evaluated 2023-03-23.

Conditions:
Hereditary cancer-predisposing syndrome. Also called: Neoplastic Syndromes, Hereditary; Tumor predisposition; Hereditary Cancer Syndrome; Hereditary neoplastic syndrome. Identifiers: Orphanet 140162, MedGen C0027672, MeSH D009386, MONDO:0015356.

Submissions (2):

University of Washington Department of Laboratory Medicine, University of Washington
Classification: Likely benign for Hereditary cancer-predisposing syndrome. Last evaluated: 2023-03-23. Review status: criteria provided, single submitter. Criteria: Dines et al. (Genet Med. 2020). Collection method: curation. Allele origin: germline.
Comment: Missense variant in a coldspot region where missense variants are very unlikely to be pathogenic (PMID:31911673).

BRCA2 exon 11 coldspot. Reclassification based on statistical prior probability.

Ambry Genetics
Classification: Uncertain significance for Hereditary cancer-predisposing syndrome. Last evaluated: 2022-04-22. Review status: criteria provided, single submitter. Criteria: Ambry Variant Classification Scheme 2023. Collection method: clinical testing. Allele origin: germline.
Comment: The p.S1268P variant (also known as c.3802T>C), located in coding exon 10 of the BRCA2 gene, results from a T to C substitution at nucleotide position 3802. The serine at codon 1268 is replaced by proline, an amino acid with similar properties. This amino acid position is conserved. In addition, this alteration is predicted to be tolerated by in silico analysis. Since supporting evidence is limited at this time, the clinical significance of this alteration remains unclear.